The following is an entry in ClinVar:

NM_000533.5(PLP1):c.453+2T>C

Genes: PLP1 (proteolipid protein 1; plus strand), RAB9B (RAB9B, member RAS oncogene family; minus strand). Cytogenetic location: Xq22.2.
Variant type: single nucleotide variant.
Coding change: c.453+2T>C on transcript NM_000533.5 (MANE Select); the canonical splice donor site of the intron after coding-DNA position 453, T replaced by C.
Molecular consequence: splice donor variant. On other transcripts: intron variant (1).
Genome position (GRCh38, 1-based): chrX:103,786,728, T>C. VCF-style: chrX-103786728-T-C. GRCh37 (hg19) VCF-style: chrX-103041657-T-C.
Other names: IVS3DS, T-C, +2; c.453+2T>C (NM_001128834.3); c.348+107T>C (NM_199478.3); c.288+2T>C (NM_001305004.1).
Identifiers: ClinVar variation 503691 (VCV000503691.4), dbSNP rs1556267388, ClinGen allele CA414102980.

ClinVar aggregate classification (germline): Pathogenic/Likely pathogenic. Review status: criteria provided, multiple submitters, no conflicts (2 of 4 stars). 3 submissions from 3 submitters: Pathogenic (1); Likely pathogenic (1). 1 of the submissions does not count toward it. Last evaluated 2018-08-31.

Conditions:
Pelizaeus-Merzbacher disease. Also called: Sudanophilic leukodystrophy; Pelizeaus-Merzbacher spectrum disorder; LEUKODYSTROPHY, HYPOMYELINATING, 1; Pelizaeus-Merzbacher spectrum disorder; Pelizaeus-Merzbacher Disease (PMD). Identifiers: Orphanet 702, MedGen C0205711, MONDO:0010714, OMIM 312080, HP:0003269.

Submissions (3):

GeneDx
Classification: Pathogenic. Last evaluated: 2018-08-31. Review status: criteria provided, single submitter. Criteria: GeneDx Variant Classification (06012015). Collection method: clinical testing. Allele origin: germline. Affected: yes.
Comment: Published functional studies demonstrate that c.453+2 T>C resulted in absent PLP1 protein. (Hobson et al., 2006). This pathogenic variant destroys the canonical splice donor site of intron 3 and is expected to cause abnormal gene splicing. This variant is not observed in large population cohorts (Lek et al.2016). Therefore, this variant is interpreted as pathogenic.

Molecular Diagnostics Lab, Nemours Children's Health, Delaware
Classification: Likely pathogenic for Pelizaeus-Merzbacher disease. Review status: criteria provided, single submitter. Criteria: ACMG Guidelines, 2015. Collection method: clinical testing. Allele origin: maternal, unknown. Affected: yes and no. Observed: 2 heterozygotes, 1 hemizygote.
Comment: This intronic variant (c.453+2T>C) is predicted to affect proper splicing of the PLP1 mRNA. It has not been observed in population databases (gnomAD), but functional studies showing a deleterious effect have been reported in the literature (PMID 11071483, PMID 16287154).

OMIM
Classification: Pathogenic for PELIZAEUS-MERZBACHER DISEASE. Last evaluated: 2000-10-24. Review status: no assertion criteria provided. Collection method: literature only. Allele origin: germline. Not counted in ClinVar's aggregate classification.

Literature cited by the submitters: PubMed 16287154 (cited by Molecular Diagnostics Lab, Nemours Children's Health, Delaware); PubMed 11071483 (cited by Molecular Diagnostics Lab, Nemours Children's Health, Delaware and OMIM).